The following is an entry in ClinVar:

NM_001204.7(BMPR2):c.260A>G (p.His87Arg)

Gene: BMPR2 (bone morphogenetic protein receptor type 2; plus strand). Cytogenetic location: 2q33.1.
Variant type: single nucleotide variant.
Coding change: c.260A>G on transcript NM_001204.7 (MANE Select); coding-DNA position 260, A replaced by G.
Protein change: p.His87Arg; replaces histidine 87 with arginine.
Molecular consequence: missense variant.
Genome position (GRCh38, 1-based): chr2:202,467,531, A>G. VCF-style: chr2-202467531-A-G. GRCh37 (hg19) VCF-style: chr2-203332254-A-G.
Other names: short protein forms H87R.
Identifiers: ClinVar variation 5033113 (VCV005033113.1).

ClinVar aggregate classification (germline): Uncertain significance (1 of 4 stars; one submission).

Conditions:
Inborn genetic diseases. Identifiers: MedGen C0950123, MeSH D030342.

Submission:

Ambry Genetics
Classification: Uncertain significance for Inborn genetic diseases. Last evaluated: 2026-08-11. Review status: criteria provided, single submitter. Criteria: Ambry Variant Classification Scheme 2023. Collection method: clinical testing. Allele origin: germline.
Comment: The p.H87R variant (also known as c.260A>G), located in coding exon 3 of the BMPR2 gene, results from an A to G substitution at nucleotide position 260. The histidine at codon 87 is replaced by arginine, an amino acid with highly similar properties. This amino acid position is conserved. In addition, this alteration is predicted to be deleterious by in silico analysis. Based on the available evidence, the clinical significance of this variant remains unclear.